The following is an entry in ClinVar:

ClinVar aggregate classification (germline): Benign. Review status: criteria provided, multiple submitters, no conflicts (2 of 4 stars). 5 submissions from 5 submitters: Benign (5). Last evaluated 2026-02-04.

Conditions:
Methylcobalamin deficiency type cblG (HMAG). Also called: HOMOCYSTINURIA-MEGALOBLASTIC ANEMIA, cblG TYPE; HOMOCYSTINURIA-MEGALOBLASTIC ANEMIA DUE TO DEFECT IN COBALAMIN METABOLISM, cblG COMPLEMENTATION TYPE; HOMOCYSTINURIA-MEGALOBLASTIC ANEMIA, cblG COMPLEMENTATION TYPE; Functional methionine synthase deficiency type cblG. Identifiers: Orphanet 2170, Orphanet 622, MedGen C1855128, MONDO:0009609, OMIM 250940.
Disorders of Intracellular Cobalamin Metabolism. Identifiers: MedGen CN043592.

Allele frequency attached by ClinVar (database versions not stated): ESP Exome Variant Server 0.00108; gnomAD 0.01249; TOPMed 0.01599; 1000 Genomes Project 30x 0.04497; 1000 Genomes Project 0.04852.
gnomAD v4.1: 10,730 of 1,601,094 alleles (0.67%); highest among the groups gnomAD compares: East Asian, 18%; 855 homozygotes.

Submissions (5):

Labcorp Genetics (formerly Invitae), Labcorp
Classification: Benign for Methylcobalamin deficiency type cblG. Last evaluated: 2026-02-04. Review status: criteria provided, single submitter. Criteria: Invitae Variant Classification Sherloc (09022015). Collection method: clinical testing. Allele origin: germline.

Mayo Clinic Laboratories, Mayo Clinic
Classification: Benign. Last evaluated: 2025-07-12. Review status: criteria provided, single submitter. Criteria: ACMG Guidelines, 2015. Collection method: clinical testing. Allele origin: germline. Observed: 1 variant allele.

Illumina Laboratory Services, Illumina
Classification: Benign for Disorders of Intracellular Cobalamin Metabolism. Last evaluated: 2018-01-13. Review status: criteria provided, single submitter. Criteria: ICSL Variant Classification Criteria 13 December 2019. Collection method: clinical testing. Allele origin: germline.
Comment: This variant was observed in the ICSL laboratory as part of a predisposition screen in an ostensibly healthy population. It had not been previously curated by ICSL or reported in the Human Gene Mutation Database (HGMD: prior to June 1st, 2018), and was therefore a candidate for classification through an automated scoring system. Utilizing variant allele frequency, disease prevalence and penetrance estimates, and inheritance mode, an automated score was calculated to assess if this variant is too frequent to cause the disease. Based on the score and internal cut-off values, a variant classified as benign is not then subjected to further curation. The score for this variant resulted in a classification of benign for this disease.

GeneDx
Classification: Benign. Last evaluated: 2016-06-01. Review status: criteria provided, single submitter. Criteria: GeneDx Variant Classification (06012015). Collection method: clinical testing. Allele origin: germline. Affected: yes.
Comment: This variant is considered likely benign or benign based on one or more of the following criteria: it is a conservative change, it occurs at a poorly conserved position in the protein, it is predicted to be benign by multiple in silico algorithms, and/or has population frequency not consistent with disease.

Breakthrough Genomics
Classification: Benign. Review status: criteria provided, single submitter. Criteria: ACMG Guidelines, 2015. Collection method: not provided. Allele origin: germline. Inheritance: Autosomal recessive inheritance. Affected: yes.

NM_000254.3(MTR):c.3496C>T (p.Leu1166=)

Gene: MTR (5-methyltetrahydrofolate-homocysteine methyltransferase; plus strand). Cytogenetic location: 1q43.
Variant type: single nucleotide variant.
Coding change: c.3496C>T on transcript NM_000254.3 (MANE Select); coding-DNA position 3496, C replaced by T.
Protein change: p.Leu1166=; no amino-acid change (leucine 1166 retained).
Molecular consequence: synonymous variant.
Genome position (GRCh38, 1-based): chr1:236,895,448, C>T. VCF-style: chr1-236895448-C-T. GRCh37 (hg19) VCF-style: chr1-237058748-C-T.
Other names: p.Leu1166=; c.3343C>T, p.Leu1115= (NM_001291939.1); c.2275C>T, p.Leu759= (NM_001291940.2).
Identifiers: ClinVar variation 296579 (VCV000296579.16), dbSNP rs12030699, ClinGen allele CA1474715.